The following is an entry in ClinVar:

ClinVar aggregate classification (germline): Likely pathogenic. Review status: criteria provided, multiple submitters, no conflicts (2 of 4 stars). 2 submissions from 2 submitters: Likely pathogenic (2). Last evaluated 2024-10-26.

Conditions:
Autosomal recessive limb-girdle muscular dystrophy type 2J (LGMDR10). Also called: Limb-girdle muscular dystrophy, type 2J; MUSCULAR DYSTROPHY, LIMB-GIRDLE, AUTOSOMAL RECESSIVE 10. Identifiers: Orphanet 140922, MedGen C1837342, MONDO:0012127, OMIM 608807.
Dilated cardiomyopathy 1G (CMD1G). Identifiers: Orphanet 154, MedGen C1858763, MONDO:0011400, OMIM 604145.

Submissions (2):

Labcorp Genetics (formerly Invitae), Labcorp
Classification: Likely pathogenic for Dilated cardiomyopathy 1G; Autosomal recessive limb-girdle muscular dystrophy type 2J. Last evaluated: 2024-10-26. Review status: criteria provided, single submitter. Criteria: Invitae Variant Classification Sherloc (09022015). Collection method: clinical testing. Allele origin: germline.
Comment: This sequence change creates a premature translational stop signal (p.Asp29974Cysfs*15) in the TTN gene. While this is not anticipated to result in nonsense mediated decay, it is expected to create a truncated TTN protein. This variant is not present in population databases (gnomAD no frequency). This variant has not been reported in the literature in individuals affected with TTN-related conditions. ClinVar contains an entry for this variant (Variation ID: 451450). This variant is located in the A band of TTN (PMID: 25589632). Truncating variants in this region are significantly overrepresented in patients affected with dilated cardiomyopathy (PMID: 25589632). Truncating variants in this region have also been reported in individuals affected with autosomal recessive centronuclear myopathy (PMID: 23975875). In summary, the currently available evidence indicates that the variant is pathogenic, but additional data are needed to prove that conclusively. Therefore, this variant has been classified as Likely Pathogenic.

GeneDx
Classification: Likely pathogenic. Last evaluated: 2017-08-18. Review status: criteria provided, single submitter. Criteria: GeneDx Variant Classification (06012015). Collection method: clinical testing. Allele origin: germline. Affected: yes.
Comment: The c.84997_84998delGA likely pathogenic variant in the TTN gene has not been reported previously as a pathogenic variant or as a benign variant, to our knowledge. This variant causes a shift in reading frame starting at codon aspartic acid 28333, changing it to a cysteine, and creating a premature stop codon at position 15 of the new reading frame, denoted p.Asp28333CysfsX15. This likely pathogenic variant is expected to result in either an abnormal, truncated protein product or loss of protein from this allele through nonsense-mediated mRNA decay. Other truncating TTN variants have been reported in approximately 3% of control alleles (Herman et al., 2012). However, c.84997_84998delGA is located in the A-band region of titin, where the majority of truncating pathogenic variants associated with DCM have been reported (Herman et al., 2012). Finally, the c.84997_84998delGA variant is not observed in large population cohorts (Lek et al., 2016; 1000 Genomes Consortium et al., 2015; Exome Variant Server).

Literature cited by the submitters: PubMed 25589632 (cited by Labcorp Genetics (formerly Invitae), Labcorp); PubMed 23975875 (cited by Labcorp Genetics (formerly Invitae), Labcorp).

NM_001267550.2(TTN):c.89920_89921del (p.Asp29974fs)

Genes: TTN-AS1 (TTN antisense RNA 1; plus strand), TTN (titin; minus strand). Cytogenetic location: 2q31.2.
Variant type: Microsatellite.
Coding change: c.89920_89921del on transcript NM_001267550.2 (MANE Select); coding-DNA positions 89920 to 89921, 2 bases deleted (GA; older notation c.89920_89921delGA).
Protein change: p.Asp29974fs; shifts the reading frame from aspartic acid 29974.
Molecular consequence: frameshift variant.
Genome position (GRCh38, 1-based): chr2:178,552,979-178,552,980, TC deleted on the plus strand (GA on the coding strand, the reverse complement: TTN is on the minus strand); deleting any 2 consecutive bases within chr2:178,552,979-178,552,985 gives the same sequence; the c. name uses the placement nearest the transcript's 3' end. VCF-style (leftmost placement, unchanged base first): chr2-178552978-ATC-A. GRCh37 (hg19) VCF-style: chr2-179417705-ATC-A.
Other names: c.84997_84998del, p.Asp28333fs (NM_001256850.1); c.62725_62726del, p.Asp20909fs (NM_003319.4); c.82216_82217del, p.Asp27406fs (NM_133378.4); c.63100_63101del, p.Asp21034fs (NM_133432.3); c.63301_63302del, p.Asp21101fs (NM_133437.4); c.84997_84998delGA (NM_001256850.1); short protein forms D21034fs, D28333fs, D21101fs, D20909fs, D27406fs, D29974fs.
Identifiers: ClinVar variation 451450 (VCV000451450.4), dbSNP rs1553540975, ClinGen allele CA658657137.